The following is an entry in ClinVar:

NM_000075.4(CDK4):c.599T>G (p.Val200Gly)

Gene: CDK4 (cyclin dependent kinase 4; minus strand). Cytogenetic location: 12q14.1.
Variant type: single nucleotide variant.
Coding change: c.599T>G on transcript NM_000075.4 (MANE Select); coding-DNA position 599, T replaced by G.
Protein change: p.Val200Gly; replaces valine 200 with glycine.
Molecular consequence: missense variant.
Genome position (GRCh38, 1-based): chr12:57,750,689, A>C on the plus strand (T>G on the coding strand, the complement: CDK4 is on the minus strand). VCF-style: chr12-57750689-A-C. GRCh37 (hg19) VCF-style: chr12-58144472-A-C.
Other names: short protein forms V200G.
Identifiers: ClinVar variation 1462772 (VCV001462772.7), dbSNP rs1060501929, ClinGen allele CA385545677.

ClinVar aggregate classification (germline): Uncertain significance (1 of 4 stars; one submission).

Conditions:
Familial melanoma. Also called: Hereditary melanoma; Hereditary cutaneous melanoma. Identifiers: Orphanet 618, MedGen C1512419, MONDO:0018961.

Allele frequency attached by ClinVar (database versions not stated): gnomAD exomes below 0.00001.

Submission:

Labcorp Genetics (formerly Invitae), Labcorp
Classification: Uncertain significance for Familial melanoma. Last evaluated: 2021-07-17. Review status: criteria provided, single submitter. Criteria: Invitae Variant Classification Sherloc (09022015). Collection method: clinical testing. Allele origin: germline.
Comment: In summary, the available evidence is currently insufficient to determine the role of this variant in disease. Therefore, it has been classified as a Variant of Uncertain Significance. Algorithms developed to predict the effect of missense changes on protein structure and function are either unavailable or do not agree on the potential impact of this missense change (SIFT: "Deleterious"; PolyPhen-2: "Probably Damaging"; Align-GVGD: "Class C0"). This variant has not been reported in the literature in individuals affected with CDK4-related conditions. This variant is not present in population databases (ExAC no frequency). This sequence change replaces valine with glycine at codon 200 of the CDK4 protein (p.Val200Gly). The valine residue is moderately conserved and there is a moderate physicochemical difference between valine and glycine.